The following is an entry in ClinVar:

GRCh38/hg38 8p23.1(chr8:7411297-7895064)x1

Genes: DEFB103A (defensin beta 103A; plus strand), DEFB103B (defensin beta 103B), DEFB104A (defensin beta 104A; plus strand), DEFB104B (defensin beta 104B), DEFB105A (defensin beta 105A; minus strand) and 23 more. Cytogenetic location: 8p23.1.
Variant type: copy number loss.
Change: copy number 1 (one copy instead of two) of chr8:7,411,297-7,895,064 (483.8 kb, GRCh38 coordinates, 1-based), cytogenetic band 8p23.1.
Identifiers: ClinVar variation 161010 (VCV000161010.1).

ClinVar aggregate classification (germline): Benign (1 of 4 stars; one submission).

Submission:

ISCA site 4
Classification: Benign. Last evaluated: 2011-08-12. Review status: criteria provided, single submitter. Criteria: Kaminsky et al. (Genet Med. 2011). Collection method: clinical testing. Allele origin: unknown. Affected: yes. Observed: 14 variant alleles. Clinical features observed: Developmental delay AND/OR other significant developmental or morphological phenotypes, Microcephaly (HP:0000252), Muscular hypotonia (HP:0001252), Global developmental delay (HP:0001263), Failure to thrive (HP:0001508), Feeding difficulties in infancy (HP:0002022), Abnormality of the nervous system (HP:0000707).
Comment: Copy number variation identified through the course of routine clinical cytogenomic testing in postnatal populations. Clinical assertions have been curated as described in Kaminsky et al. 2011.